The following is an entry in ClinVar:

NM_002582.4(PARN):c.1600G>A (p.Ala534Thr)

Gene: PARN (poly(A)-specific ribonuclease; minus strand). Cytogenetic location: 16p13.12.
Variant type: single nucleotide variant.
Coding change: c.1600G>A on transcript NM_002582.4 (MANE Select); coding-DNA position 1600, G replaced by A.
Protein change: p.Ala534Thr; replaces alanine 534 with threonine.
Molecular consequence: missense variant.
Genome position (GRCh38, 1-based): chr16:14,482,708, C>T on the plus strand (G>A on the coding strand, the complement: PARN is on the minus strand). VCF-style: chr16-14482708-C-T. GRCh37 (hg19) VCF-style: chr16-14576565-C-T.
Other names: c.1417G>A, p.Ala473Thr (NM_001134477.3); c.1462G>A, p.Ala488Thr (NM_001242992.2); short protein forms A488T, A534T, A473T.
Identifiers: ClinVar variation 2940373 (VCV002940373.3), dbSNP rs2506915281, ClinGen allele CA395183445.
Genomic context (GRCh38, chr16:14,482,708, plus strand): 5'-GGTAATAGTGATTCTGCAGGGTGTAGGGTATGCACTGGGGGTTTAACCGTTTGCTGTCAG[C>T]CTCCTTCCAGCTATCTTCAGTCCACTTTCTTTTGATCTGCTTCTCTTCCTGTTTTCTCCC-3'
Protein context (NP_002573.1, residues 524-544): RKWTEDSWKE[Ala534Thr]DSKRLNPQCI

ClinVar aggregate classification (germline): Uncertain significance (1 of 4 stars; one submission).

Conditions:
Dyskeratosis congenita, autosomal recessive 6 (DKCB6). Identifiers: MedGen C4225356, MONDO:0014600, OMIM 616353.
Pulmonary fibrosis and/or bone marrow failure, Telomere-related, 4. Also called: PULMONARY FIBROSIS AND/OR BONE MARROW FAILURE SYNDROME, TELOMERE-RELATED, 4. Identifiers: Orphanet 2032, MedGen C4225347, MONDO:0014612, OMIM 616371.

Submission:

Labcorp Genetics (formerly Invitae), Labcorp
Classification: Uncertain significance for Dyskeratosis congenita, autosomal recessive 6; Pulmonary fibrosis and/or bone marrow failure, Telomere-related, 4. Last evaluated: 2023-07-26. Review status: criteria provided, single submitter. Criteria: Invitae Variant Classification Sherloc (09022015). Collection method: clinical testing. Allele origin: germline.
Comment: This variant has not been reported in the literature in individuals affected with PARN-related conditions. In summary, the available evidence is currently insufficient to determine the role of this variant in disease. Therefore, it has been classified as a Variant of Uncertain Significance. An algorithm developed to predict the effect of missense changes on protein structure and function (PolyPhen-2) suggests that this variant is likely to be tolerated. This variant is not present in population databases (gnomAD no frequency). This sequence change replaces alanine, which is neutral and non-polar, with threonine, which is neutral and polar, at codon 534 of the PARN protein (p.Ala534Thr).